The following is an entry in ClinVar:

ClinVar aggregate classification (germline): Uncertain significance (1 of 4 stars; one submission).

Conditions:
Noonan syndrome 2 (NS2). Identifiers: Orphanet 648, MedGen C1854469, MONDO:0011531, OMIM 605275.

Submission:

Dasa
Classification: Uncertain significance for Noonan syndrome 2. Last evaluated: 2025-04-07. Review status: criteria provided, single submitter. Criteria: DASA Assertion Criteria. Collection method: clinical testing. Allele origin: germline.
Comment: NM_006767.4(LZTR1):c.2480del (p.His827Profs*64) is a frameshift variant in LZTR1 predicted to alter the reading frame and introduce a premature termination codon and is predicted to result in an absent or altered protein product. This variant is absent from population databases. The currently available literature and clinical evidence are not sufficient to establish a definitive association between this variant and the reported condition. Therefore, this variant is classified as a variant of uncertain significance.

NM_006767.4(LZTR1):c.2480del (p.His827fs)

Gene: LZTR1 (leucine zipper like post translational regulator 1; plus strand). Cytogenetic location: 22q11.21.
Variant type: Deletion.
Coding change: c.2480del on transcript NM_006767.4 (MANE Select); coding-DNA position 2480, one base deleted (A; older notation c.2480delA).
Protein change: p.His827fs; shifts the reading frame from histidine 827.
Molecular consequence: frameshift variant.
Genome position (GRCh38, 1-based): chr22:20,997,305, A deleted. VCF-style (leftmost placement, unchanged base first): chr22-20997304-CA-C. GRCh37 (hg19) VCF-style: chr22-21351593-CA-C.
Other names: short protein forms H827fs.
Identifiers: ClinVar variation 4883951 (VCV004883951.2).